The following is an entry in ClinVar:

NM_024867.4(SPEF2):c.5313C>T (p.Val1771=)

Gene: SPEF2 (sperm flagellar and cilia associated 2; plus strand). Cytogenetic location: 5p13.2.
Variant type: single nucleotide variant.
Coding change: c.5313C>T on transcript NM_024867.4 (MANE Select); coding-DNA position 5313, C replaced by T.
Protein change: p.Val1771=; no amino-acid change (valine 1771 retained).
Molecular consequence: synonymous variant.
Genome position (GRCh38, 1-based): chr5:35,807,187, C>T. VCF-style: chr5-35807187-C-T. GRCh37 (hg19) VCF-style: chr5-35807289-C-T.
Identifiers: ClinVar variation 2655404 (VCV002655404.24), dbSNP rs1365001146, ClinGen allele CA443889464.

ClinVar aggregate classification (germline): Likely benign (1 of 4 stars; one submission).

Allele frequency attached by ClinVar (database versions not stated): gnomAD 0.00001; gnomAD exomes 0.00002; TOPMed 0.00002.
gnomAD v4.1: 26 of 1,613,808 alleles (0.0016%); highest among the groups gnomAD compares: Middle Eastern, 0.016%; no homozygotes.

Submission:

CeGaT Center for Human Genetics Tuebingen
Classification: Likely benign. Last evaluated: 2022-09-01. Review status: criteria provided, single submitter. Criteria: CeGaT Center For Human Genetics Tuebingen Variant Classification Criteria Version 2. Collection method: clinical testing. Allele origin: germline. Affected: yes. Observed: 1 variant allele.
Comment: SPEF2: BP4, BP7